The following is an entry in ClinVar:

NM_000350.3(ABCA4):c.655A>T (p.Arg219Ter)

Gene: ABCA4 (ATP binding cassette subfamily A member 4; minus strand). Cytogenetic location: 1p22.1.
Variant type: single nucleotide variant.
Coding change: c.655A>T on transcript NM_000350.3 (MANE Select); coding-DNA position 655, A replaced by T.
Protein change: p.Arg219Ter; replaces arginine 219 with a stop codon.
Molecular consequence: nonsense.
Genome position (GRCh38, 1-based): chr1:94,098,907, T>A on the plus strand (A>T on the coding strand, the complement: ABCA4 is on the minus strand). VCF-style: chr1-94098907-T-A. GRCh37 (hg19) VCF-style: chr1-94564463-T-A.
Other names: c.655A>T, p.Arg219Ter (NM_001425324.1); short protein forms R219*.
Identifiers: ClinVar variation 265008 (VCV000265008.16), dbSNP rs757557272, ClinGen allele CA10588304.

ClinVar aggregate classification (germline): Pathogenic. Review status: criteria provided, multiple submitters, no conflicts (2 of 4 stars). 4 submissions from 4 submitters: Pathogenic (4). Last evaluated 2026-01-23.

Conditions:
Cone-rod dystrophy 3 (CORD3). Identifiers: Orphanet 1872, MedGen C1858806, MONDO:0011395, OMIM 604116.
Severe early-childhood-onset retinal dystrophy (STGD1). Also called: Stargardt macular dystrophy; Juvenile onset macular degeneration; Stargardt disease 1; MACULAR DYSTROPHY WITH FLECKS, TYPE 1; STGD. Identifiers: Orphanet 364055, Orphanet 827, MedGen C1855465, MeSH D000080362, MONDO:0009549, OMIM 248200.
Retinitis pigmentosa 19 (RP19). Also called: ABCA4-Related Retinitis Pigmentosa. Identifiers: Orphanet 791, MedGen C1866422, MONDO:0011137, OMIM 601718.
Age related macular degeneration 2. Also called: MACULOPATHY, AGE-RELATED; MACULAR DEGENERATION, SENILE; MACULOPATHY, AGE-RELATED, 2. Identifiers: MedGen C3495438, MONDO:0007932, OMIM 153800.
ABCA4-related disorder. Also called: ABCA4-related disorders; ABCA4-related condition. Identifiers: MedGen CN239167.

Allele frequency attached by ClinVar (database versions not stated): TOPMed below 0.00001.
gnomAD v4.1: 27 of 1,613,816 alleles (0.0017%); highest among the groups gnomAD compares: African/African-American, 0.0027%; no homozygotes.

Submissions (4):

Labcorp Genetics (formerly Invitae), Labcorp
Classification: Pathogenic. Last evaluated: 2026-01-23. Review status: criteria provided, single submitter. Criteria: Invitae Variant Classification Sherloc (09022015). Collection method: clinical testing. Allele origin: germline.
Comment: This sequence change creates a premature translational stop signal (p.Arg219*) in the ABCA4 gene. It is expected to result in an absent or disrupted protein product. Loss-of-function variants in ABCA4 are known to be pathogenic (PMID: 10958761, 24938718, 25312043, 26780318). This variant is present in population databases (rs757557272, gnomAD 0.01%). This premature translational stop signal has been observed in individual(s) with autosomal recessive retinal disease (PMID: 19352439, 23982839). It has also been observed to segregate with disease in related individuals. ClinVar contains an entry for this variant (Variation ID: 265008). For these reasons, this variant has been classified as Pathogenic.

Blueprint Genetics
Classification: Pathogenic for ABCA4-related disorders. Last evaluated: 2024-08-19. Review status: criteria provided, single submitter. Criteria: ACMG Guidelines, 2015. Collection method: clinical testing. Allele origin: germline. Affected: yes. Observed: 5 variant alleles.

Fulgent Genetics
Classification: Pathogenic for Age related macular degeneration 2; Severe early-childhood-onset retinal dystrophy; Retinitis pigmentosa 19; Cone-rod dystrophy 3. Last evaluated: 2024-05-13. Review status: criteria provided, single submitter. Criteria: ACMG Guidelines, 2015. Collection method: clinical testing. Allele origin: germline.

GeneDx
Classification: Pathogenic. Last evaluated: 2021-11-08. Review status: criteria provided, single submitter. Criteria: GeneDx Variant Classification Process June 2021. Collection method: clinical testing. Allele origin: germline. Affected: yes.
Comment: Nonsense variant predicted to result in protein truncation or nonsense mediated decay in a gene for which loss-of-function is a known mechanism of disease; This variant is associated with the following publications: (PMID: 25525159, 23982839, 26633542, 29925512, 19352439)

Literature cited by the submitters: PubMed 10958761 (cited by Labcorp Genetics (formerly Invitae), Labcorp); PubMed 24938718 (cited by Labcorp Genetics (formerly Invitae), Labcorp); PubMed 25312043 (cited by Labcorp Genetics (formerly Invitae), Labcorp); PubMed 26780318 (cited by Labcorp Genetics (formerly Invitae), Labcorp); PubMed 19352439 (cited by Labcorp Genetics (formerly Invitae), Labcorp); PubMed 23982839 (cited by Labcorp Genetics (formerly Invitae), Labcorp).